The following is an entry in ClinVar:

NR_001566.3(TERC):n.349_357delTTCAGGCCT

Genes: TERC (telomerase RNA component; minus strand), LOC110806306 (telomerase RNA component (TERC) promoter; plus strand). Cytogenetic location: 3q26.2.
Variant type: Deletion.
Genome position: GRCh38 VCF-style: chr3-169764695-CGGCCTGAAA-C. GRCh37 (hg19) VCF-style: chr3-169482483-CGGCCTGAAA-C.
Identifiers: ClinVar variation 1338286 (VCV001338286.8), dbSNP rs1415168771, ClinGen allele CA548332319.

ClinVar aggregate classification (germline): Conflicting classifications of pathogenicity. Review status: criteria provided, conflicting classifications (1 of 4 stars). 3 submissions from 3 submitters: Likely pathogenic (2); Uncertain significance (1). Last evaluated 2023-06-25.

Conditions:
TERC-related disorder. Also called: TERC-related condition.
Dyskeratosis congenita, autosomal dominant 1 (DKCA1). Also called: Dyskeratosis congenita Scoggins type. Identifiers: Orphanet 1775, MedGen C4551974, MONDO:0007485, OMIM 127550. Inheritance: Variable.

Submissions (3):

Labcorp Genetics (formerly Invitae), Labcorp
Classification: Uncertain significance for Dyskeratosis congenita, autosomal dominant 1. Last evaluated: 2023-06-25. Review status: criteria provided, single submitter. Criteria: Invitae Variant Classification Sherloc (09022015). Collection method: clinical testing. Allele origin: germline.
Comment: This variant is present in population databases (no rsID available, gnomAD 0.001%). This variant occurs in the TERC gene, which encodes an RNA molecule that does not result in a protein product. This variant has not been reported in the literature in individuals affected with TERC-related conditions. ClinVar contains an entry for this variant (Variation ID: 1338286). This variant is located within the BoxH/ACA scaRNA domain of the TERC RNA component, which is required for telomerase activity (PMID: 21844345). In summary, the available evidence is currently insufficient to determine the role of this variant in disease. Therefore, it has been classified as a Variant of Uncertain Significance.

Blueprint Genetics
Classification: Likely pathogenic for TERC-related disorders. Last evaluated: 2022-07-05. Review status: criteria provided, single submitter. Criteria: ACMG Guidelines, 2015. Collection method: clinical testing. Allele origin: germline. Affected: yes. Observed: 1 variant allele.

Genetic Services Laboratory, University of Chicago
Classification: Likely pathogenic. Last evaluated: 2017-12-05. Review status: criteria provided, single submitter. Criteria: ACMG Guidelines, 2015. Collection method: clinical testing. Allele origin: germline. Affected: yes.

Literature cited by the submitters: PubMed 21844345 (cited by Labcorp Genetics (formerly Invitae), Labcorp).